The following is an entry in ClinVar:

NM_018444.4(PDP1):c.467_547delinsCT (p.Ser156fs)

Gene: PDP1 (pyruvate dehydrogenase phosphatase catalytic subunit 1; plus strand). Cytogenetic location: 8q22.1.
Variant type: Indel.
Coding change: c.467_547delinsCT on transcript NM_018444.4 (MANE Select); coding-DNA positions 467 to 547, the reference bases replaced by CT.
Protein change: p.Ser156fs; shifts the reading frame from serine 156.
Molecular consequence: frameshift variant.
Genome position (GRCh38, 1-based): chr8:93,922,526-93,922,606, 81 bases replaced. GRCh37 (hg19): chr8:94,934,754-94,934,834.
Other names: c.542_622delinsCT, p.Ser181fs (NM_001161779.2, NM_001161780.2); c.467_547delinsCT, p.Ser156fs (NM_001161781.2); short protein forms S181fs, S156fs.
Identifiers: ClinVar variation 422914 (VCV000422914.2), dbSNP rs1554572659, ClinGen allele CA16618722.

ClinVar aggregate classification (germline): Likely pathogenic (1 of 4 stars; one submission).

Submission:

GeneDx
Classification: Likely pathogenic. Last evaluated: 2016-12-20. Review status: criteria provided, single submitter. Criteria: GeneDx Variant Classification (06012015). Collection method: clinical testing. Allele origin: germline. Affected: yes.
Comment: The c.467_547del81insCT variant in the PDP1 gene has not been reported previously as a pathogenic variant nor as a benign variant, to our knowledge. The c.467_547del81insCT variant causes a frameshift starting with codon Serine 156, changes this amino acid to a Threonine residue, and creates a premature Stop codon at position 31 of the new reading frame, denoted p.Ser156ThrfsX31. This variant is predicted to cause loss of normal protein function through protein truncation. The c.467_547del81insCT variant was not observed in approximately 6,500 individuals of European and African American ancestry in the NHLBI Exome Sequencing Project, indicating it is not a common benign variant in these populations. We interpret c.467_547del81insCT as a likely pathogenic variant.